The following is an entry in ClinVar:

NM_173814.6(PRTG):c.312G>C (p.Glu104Asp)

Gene: PRTG (protogenin; minus strand). Cytogenetic location: 15q21.3.
Variant type: single nucleotide variant.
Coding change: c.312G>C on transcript NM_173814.6 (MANE Select); coding-DNA position 312, G replaced by C.
Protein change: p.Glu104Asp; replaces glutamic acid 104 with aspartic acid.
Molecular consequence: missense variant.
Genome position (GRCh38, 1-based): chr15:55,740,467, C>G on the plus strand (G>C on the coding strand, the complement: PRTG is on the minus strand). VCF-style: chr15-55740467-C-G. GRCh37 (hg19) VCF-style: chr15-56032665-C-G.
Other names: short protein forms E104D.
Identifiers: ClinVar variation 3770409 (VCV003770409.13).
Genomic context (GRCh38, chr15:55,740,467, plus strand): 5'-ACTAAGAATGGCTCCATATTTGTTCATTGCCAAGCACTGATAAAATCCTTCATCGGACTG[C>G]TCTCCTCGCCTGCCTTCCACCTCACTGATGTATAAAGAGCCGTTAGAAAGAACCTCGATC-3'
Protein context (NP_776175.2, residues 94-114): YISEVEGRRG[Glu104Asp]QSDEGFYQCL

ClinVar aggregate classification (germline): Likely benign (1 of 4 stars; one submission).

gnomAD v4.1: 6,586 of 1,614,188 alleles (0.41%); highest among the groups gnomAD compares: Non-Finnish European, 0.48%; 9 homozygotes.

Submission:

CeGaT Center for Human Genetics Tuebingen
Classification: Likely benign. Last evaluated: 2025-02-01. Review status: criteria provided, single submitter. Criteria: CeGaT Center For Human Genetics Tuebingen Variant Classification Criteria Version 2. Collection method: clinical testing. Allele origin: germline. Affected: yes. Observed: 1 variant allele.
Comment: PRTG: BP4, BS2